The following is an entry in ClinVar:

NM_000492.4(CFTR):c.870-3T>G

Gene: CFTR (CF transmembrane conductance regulator; plus strand). Cytogenetic location: 7q31.2.
Variant type: single nucleotide variant.
Coding change: c.870-3T>G on transcript NM_000492.4 (MANE Select); 3 bases into the intron before coding-DNA position 870, T replaced by G.
Molecular consequence: intron variant.
Genome position (GRCh38, 1-based): chr7:117,540,097, T>G. VCF-style: chr7-117540097-T-G. GRCh37 (hg19) VCF-style: chr7-117180151-T-G.
Identifiers: ClinVar variation 54076 (VCV000054076.2), dbSNP rs397508810, ClinGen allele CA327677.

ClinVar aggregate classification (germline): Uncertain significance. Review status: criteria provided, single submitter (1 of 4 stars). 2 submissions from 2 submitters: Uncertain significance (1). 1 of the submissions does not count toward it. Last evaluated 2023-10-02.

Conditions:
Cystic fibrosis (CF). Also called: MUCOVISCIDOSIS. Identifiers: Orphanet 586, MedGen C0010674, MONDO:0009061, OMIM 219700. Disease mechanism: loss of function.

Submissions (2):

Women's Health and Genetics/Laboratory Corporation of America, LabCorp
Classification: Uncertain significance. Last evaluated: 2023-10-02. Review status: criteria provided, single submitter. Criteria: LabCorp Variant Classification Summary - May 2015. Collection method: clinical testing. Allele origin: germline.
Comment: Variant summary: CFTR c.870-3T>G alters a conserved nucleotide located close to a canonical splice site and therefore could affect mRNA splicing, leading to a significantly altered protein sequence. Several computational tools predict a significant impact on normal splicing: three predict the variant abolishes a 3' acceptor site, while four predict the variant creates a novel 3' acceptor site, 2 nucleotides upstream from the original site (which would result in a frameshift at the protein level, if utilized for splicing). However, these predictions have yet to be confirmed by functional studies. The variant was absent in 249644 control chromosomes (gnomAD). The available data on variant occurrences in the general population are insufficient to allow any conclusion about variant significance. The variant c.870-3T>G (aka 1002-3T>G) has been reported in the literature in an individual affected with Cystic Fibrosis (Macek_1997), who carried a pathogenic variant in trans (see the Sickkids database for details). These data do not allow clear conclusions about variant significance. To our knowledge, no experimental evidence demonstrating an impact on protein function has been reported. The following publication have been ascertained in the context of this evaluation (PMID: 9150159). No submitters have cited clinical-significance assessments for this variant to ClinVar after 2014. Based on the evidence outlined above, the variant was classified as VUS-possibly pathogenic.

ClinVar Staff, National Center for Biotechnology Information (NCBI)
No classification provided. Condition: CFTR-related disorders. Review status: no classification provided. Collection method: literature only. Allele origin: germline. Affected: yes. Not counted in ClinVar's aggregate classification.

Literature cited by the submitters: PubMed 9150159 (cited by Women's Health and Genetics/Laboratory Corporation of America, LabCorp and ClinVar Staff, National Center for Biotechnology Information (NCBI)).